The following is an entry in ClinVar:

NM_013382.7(POMT2):c.1502A>C (p.Glu501Ala)

Gene: POMT2 (protein O-mannosyltransferase 2; minus strand). Cytogenetic location: 14q24.3.
Variant type: single nucleotide variant.
Coding change: c.1502A>C on transcript NM_013382.7 (MANE Select); coding-DNA position 1502, A replaced by C.
Protein change: p.Glu501Ala; replaces glutamic acid 501 with alanine.
Molecular consequence: missense variant.
Genome position (GRCh38, 1-based): chr14:77,285,024, T>G on the plus strand (A>C on the coding strand, the complement: POMT2 is on the minus strand). VCF-style: chr14-77285024-T-G. GRCh37 (hg19) VCF-style: chr14-77751367-T-G.
Other names: short protein forms E501A.
Identifiers: ClinVar variation 3757150 (VCV003757150.4).

ClinVar aggregate classification (germline): Conflicting classifications of pathogenicity. Review status: criteria provided, conflicting classifications (1 of 4 stars). 3 submissions from 3 submitters: Likely pathogenic (1); Uncertain significance (2). Last evaluated 2026-03-05.

Conditions:
Muscular dystrophy-dystroglycanopathy (congenital with brain and eye anomalies), type A2. Also called: MUSCULAR DYSTROPHY-DYSTROGLYCANOPATHY (CONGENITAL WITH BRAIN AND EYE ANOMALIES), TYPE A, 2; WALKER-WARBURG SYNDROME OR MUSCLE-EYE-BRAIN DISEASE, POMT2-RELATED. Identifiers: Orphanet 588, Orphanet 899, MedGen C3150411, MONDO:0013154, OMIM 613150.
Autosomal recessive limb-girdle muscular dystrophy type 2N. Also called: MUSCULAR DYSTROPHY-DYSTROGLYCANOPATHY, LIMB-GIRDLE, POMT2-RELATED; Muscular dystrophy-dystroglycanopathy (limb-girdle), type C, 2. Identifiers: Orphanet 206559, MedGen C3150418, MONDO:0013162, OMIM 613158.
Muscular dystrophy-dystroglycanopathy (congenital with impaired intellectual development), type B, 2. Also called: MUSCULAR DYSTROPHY, CONGENITAL, POMT2-RELATED; Muscular dystrophy-dystroglycanopathy (congenital with intellectual disability), type B2. Identifiers: MedGen C3150416, MONDO:0013160, OMIM 613156.
POMT2-related disorder. Also called: POMT2-related condition.

gnomAD v4.1: 1 of 1,612,444 alleles (0.000062%); highest among the groups gnomAD compares: African/African-American, 0.0013%; no homozygotes.

Submissions (3):

Women's Health and Genetics/Laboratory Corporation of America, LabCorp
Classification: Uncertain significance. Last evaluated: 2026-03-05. Review status: criteria provided, single submitter. Criteria: LabCorp Variant Classification Summary - May 2015. Collection method: clinical testing. Allele origin: germline.
Comment: Variant summary: POMT2 c.1502A>C (p.Glu501Ala) results in a non-conservative amino acid change in the encoded protein sequence. Algorithms developed to predict the effect of missense changes on protein structure and function all suggest that this variant is likely to be disruptive. The variant allele was found at a frequency of 4e-06 in 251334 control chromosomes. c.1502A>C has been observed in an individual affected with Limb-Girdle Muscular Dystrophy, Autosomal Recessive (Gonorazky_2019, Brun_2018). These data indicate that the variant may be associated with disease. At least one publication reports experimental evidence evaluating an impact on protein function. The most pronounced variant effect results in reduced glycosylation in cultured fibroblasts from a patient that was complemented by expression of exogenous POMT2 (Brun_2018). The following publications have been ascertained in the context of this evaluation (PMID: 29759639, 30827497). ClinVar contains an entry for this variant (Variation ID: 3757150). Based on the evidence outlined above, the variant was classified as VUS-possibly pathogenic.

Greenwood Genetic Center Diagnostic Laboratories, Greenwood Genetic Center
Classification: Likely pathogenic for POMT2-related disorder. Last evaluated: 2025-02-05. Review status: criteria provided, single submitter. Criteria: ACMG Guidelines, 2015. Collection method: clinical testing. Allele origin: germline. Affected: yes.
Comment: PS3, PM1, PM2, PM3_Supporting

Labcorp Genetics (formerly Invitae), Labcorp
Classification: Uncertain significance for Muscular dystrophy-dystroglycanopathy (congenital with impaired intellectual development), type B, 2; Muscular dystrophy-dystroglycanopathy (congenital with brain and eye anomalies), type A2; Autosomal recessive limb-girdle muscular dystrophy type 2N. Last evaluated: 2024-04-02. Review status: criteria provided, single submitter. Criteria: Invitae Variant Classification Sherloc (09022015). Collection method: clinical testing. Allele origin: germline.
Comment: This sequence change replaces glutamic acid, which is acidic and polar, with alanine, which is neutral and non-polar, at codon 501 of the POMT2 protein (p.Glu501Ala). This variant is present in population databases (rs767138307, gnomAD 0.008%). This missense change has been observed in individual(s) with congenital muscular dystrophy (PMID: 29759639). Advanced modeling of protein sequence and biophysical properties (such as structural, functional, and spatial information, amino acid conservation, physicochemical variation, residue mobility, and thermodynamic stability) has been performed at Invitae for this missense variant, however the output from this modeling did not meet the statistical confidence thresholds required to predict the impact of this variant on POMT2 protein function. In summary, the available evidence is currently insufficient to determine the role of this variant in disease. Therefore, it has been classified as a Variant of Uncertain Significance.

Literature cited by the submitters: PubMed 30827497 (cited by Women's Health and Genetics/Laboratory Corporation of America, LabCorp); PubMed 29759639 (cited by Women's Health and Genetics/Laboratory Corporation of America, LabCorp and Labcorp Genetics (formerly Invitae), Labcorp).